The following is an entry in ClinVar:

ClinVar aggregate classification (germline): Uncertain significance (1 of 4 stars; one submission).

Conditions:
Arrhythmogenic cardiomyopathy with wooly hair and keratoderma. Also called: PALMOPLANTAR KERATODERMA WITH LEFT VENTRICULAR CARDIOMYOPATHY AND WOOLLY HAIR; Carvajal syndrome; Dilated cardiomyopathy with woolly hair and keratoderma; Arrhythmogenic cardiomyopathy with woolly hair and keratoderma. Identifiers: Orphanet 65282, MedGen C1854063, MONDO:0011581, OMIM 605676.
Arrhythmogenic right ventricular dysplasia 8 (ARVD8). Also called: Arrhythmogenic Right Ventricular Dysplasia/Cardiomyopathy 8; ARRHYTHMOGENIC RIGHT VENTRICULAR DYSPLASIA, FAMILIAL, 8; ARRHYTHMOGENIC RIGHT VENTRICULAR CARDIOMYOPATHY 8. Identifiers: MedGen C1843896, MONDO:0011831, OMIM 607450.

gnomAD v4.1: 1 of 1,608,192 alleles (0.000062%); highest among the groups gnomAD compares: Non-Finnish European, 0.000085%; no homozygotes.

Submission:

Labcorp Genetics (formerly Invitae), Labcorp
Classification: Uncertain significance for Arrhythmogenic cardiomyopathy with wooly hair and keratoderma; Arrhythmogenic right ventricular dysplasia 8. Last evaluated: 2025-02-15. Review status: criteria provided, single submitter. Criteria: Invitae Variant Classification Sherloc (09022015). Collection method: clinical testing. Allele origin: germline.
Comment: This sequence change replaces histidine, which is basic and polar, with tyrosine, which is neutral and polar, at codon 8 of the DSP protein (p.His8Tyr). This variant is not present in population databases (gnomAD no frequency). This variant has not been reported in the literature in individuals affected with DSP-related conditions. An algorithm developed to predict the effect of missense changes on protein structure and function (PolyPhen-2) suggests that this variant is likely to be tolerated. In summary, the available evidence is currently insufficient to determine the role of this variant in disease. Therefore, it has been classified as a Variant of Uncertain Significance.

NM_004415.4(DSP):c.22C>T (p.His8Tyr)

Genes: DSP (desmoplakin; plus strand), DSP-AS1 (DSP antisense RNA 1; minus strand). Cytogenetic location: 6p24.3.
Variant type: single nucleotide variant.
Coding change: c.22C>T on transcript NM_004415.4 (MANE Select); coding-DNA position 22, C replaced by T.
Protein change: p.His8Tyr; replaces histidine 8 with tyrosine.
Molecular consequence: missense variant.
Genome position (GRCh38, 1-based): chr6:7,541,937, C>T. VCF-style: chr6-7541937-C-T. GRCh37 (hg19) VCF-style: chr6-7542170-C-T.
Other names: c.22C>T, p.His8Tyr (NM_001008844.3, NM_001319034.2, NM_001406591.1); short protein forms H8Y.
Identifiers: ClinVar variation 4791495 (VCV004791495.1).